The following is an entry in ClinVar:

ClinVar aggregate classification (germline): Uncertain significance (1 of 4 stars; one submission).

Conditions:
Dilated cardiomyopathy 1JJ (CMD1JJ). Identifiers: Orphanet 154, MedGen C3808935, MONDO:0014095, OMIM 615235.

Allele frequency attached by ClinVar (database versions not stated): ExAC 0.00001; gnomAD exomes 0.00001 and 0.00002.
gnomAD v4.1: 5 of 1,614,134 alleles (0.00031%); highest among the groups gnomAD compares: Admixed American, 0.0083%; no homozygotes.

Submission:

Labcorp Genetics (formerly Invitae), Labcorp
Classification: Uncertain significance for Dilated cardiomyopathy 1JJ. Last evaluated: 2023-01-24. Review status: criteria provided, single submitter. Criteria: Invitae Variant Classification Sherloc (09022015). Collection method: clinical testing. Allele origin: germline.
Comment: In summary, the available evidence is currently insufficient to determine the role of this variant in disease. Therefore, it has been classified as a Variant of Uncertain Significance. Algorithms developed to predict the effect of missense changes on protein structure and function (SIFT, PolyPhen-2, Align-GVGD) all suggest that this variant is likely to be tolerated. ClinVar contains an entry for this variant (Variation ID: 1353495). This variant has not been reported in the literature in individuals affected with LAMA4-related conditions. This variant is present in population databases (rs782640387, gnomAD 0.01%). This sequence change replaces glutamine, which is neutral and polar, with glutamic acid, which is acidic and polar, at codon 722 of the LAMA4 protein (p.Gln722Glu).

NM_001105206.3(LAMA4):c.2185C>G (p.Gln729Glu)

Gene: LAMA4 (laminin subunit alpha 4; minus strand). Cytogenetic location: 6q21.
Variant type: single nucleotide variant.
Coding change: c.2185C>G on transcript NM_001105206.3 (MANE Select); coding-DNA position 2185, C replaced by G.
Protein change: p.Gln729Glu; replaces glutamine 729 with glutamic acid.
Molecular consequence: missense variant.
Genome position (GRCh38, 1-based): chr6:112,148,325, G>C on the plus strand (C>G on the coding strand, the complement: LAMA4 is on the minus strand). VCF-style: chr6-112148325-G-C. GRCh37 (hg19) VCF-style: chr6-112469527-G-C.
Other names: c.2164C>G, p.Gln722Glu (NM_001105207.3, NM_002290.5); short protein forms Q729E, Q722E.
Identifiers: ClinVar variation 1353495 (VCV001353495.8), dbSNP rs782640387, ClinGen allele CA3965542.